The following is an entry in ClinVar:

ClinVar aggregate classification (germline): Likely benign (1 of 4 stars; one submission).

Allele frequency attached by ClinVar (database versions not stated): TOPMed below 0.00001; gnomAD exomes 0.00001.
gnomAD v4.1: 15 of 1,613,046 alleles (0.00093%); highest among the groups gnomAD compares: African/African-American, 0.0027%; no homozygotes.

Submission:

CeGaT Center for Human Genetics Tuebingen
Classification: Likely benign. Last evaluated: 2023-02-01. Review status: criteria provided, single submitter. Criteria: CeGaT Center For Human Genetics Tuebingen Variant Classification Criteria Version 2. Collection method: clinical testing. Allele origin: germline. Affected: yes. Observed: 1 variant allele.
Comment: TOB2: BP4, BP7

NM_016272.4(TOB2):c.840C>T (p.Ser280=)

Gene: TOB2 (transducer of ERBB2, 2; minus strand). Cytogenetic location: 22q13.2.
Variant type: single nucleotide variant.
Coding change: c.840C>T on transcript NM_016272.4 (MANE Select); coding-DNA position 840, C replaced by T.
Protein change: p.Ser280=; no amino-acid change (serine 280 retained).
Molecular consequence: synonymous variant.
Genome position (GRCh38, 1-based): chr22:41,436,506, G>A on the plus strand (C>T on the coding strand, the complement: TOB2 is on the minus strand). VCF-style: chr22-41436506-G-A. GRCh37 (hg19) VCF-style: chr22-41832510-G-A.
Identifiers: ClinVar variation 2653228 (VCV002653228.24), dbSNP rs1225818374, ClinGen allele CA514796908.